The following is an entry in ClinVar:

ClinVar aggregate classification (germline): Uncertain significance (1 of 4 stars; one submission).

Conditions:
Biotinidase deficiency. Also called: BTD deficiency; Late-onset biotin-responsive multiple carboxylase deficiency; Biotin deficiency. Identifiers: Orphanet 79241, MedGen C0220754, MONDO:0009665, OMIM 253260.

gnomAD v4.1: 1 of 1,613,136 alleles (0.000062%); highest among the groups gnomAD compares: Admixed American, 0.0017%; no homozygotes.

Submission:

Labcorp Genetics (formerly Invitae), Labcorp
Classification: Uncertain significance for Biotinidase deficiency. Last evaluated: 2025-02-08. Review status: criteria provided, single submitter. Criteria: Invitae Variant Classification Sherloc (09022015). Collection method: clinical testing. Allele origin: germline.
Comment: This sequence change replaces threonine, which is neutral and polar, with alanine, which is neutral and non-polar, at codon 205 of the BTD protein (p.Thr205Ala). This variant is not present in population databases (gnomAD no frequency). This variant has not been reported in the literature in individuals affected with BTD-related conditions. Invitae Evidence Modeling of protein sequence and biophysical properties (such as structural, functional, and spatial information, amino acid conservation, physicochemical variation, residue mobility, and thermodynamic stability) indicates that this missense variant is expected to disrupt BTD protein function with a positive predictive value of 95%. In summary, the available evidence is currently insufficient to determine the role of this variant in disease. Therefore, it has been classified as a Variant of Uncertain Significance.

NM_001370658.1(BTD):c.553A>G (p.Thr185Ala)

Gene: BTD (biotinidase; plus strand). Cytogenetic location: 3p25.1.
Variant type: single nucleotide variant.
Coding change: c.553A>G on transcript NM_001370658.1 (MANE Select); coding-DNA position 553, A replaced by G.
Protein change: p.Thr185Ala; replaces threonine 185 with alanine.
Molecular consequence: missense variant. On other transcripts: intron variant (6).
Genome position (GRCh38, 1-based): chr3:15,644,469, A>G. VCF-style: chr3-15644469-A-G. GRCh37 (hg19) VCF-style: chr3-15685976-A-G.
Other names: c.553A>G, p.Thr185Ala (NM_001281723.4, NM_001281724.3, NM_001281725.3 and 18 more transcripts); c.399+2412A>G (NM_001370753.1, NM_001407400.1, NM_001407380.1 and 3 more transcripts); short protein forms T185A.
Identifiers: ClinVar variation 3730522 (VCV003730522.2).